The following is an entry in ClinVar:

ClinVar aggregate classification (germline): Uncertain significance (1 of 4 stars; one submission).

Submission:

GeneDx
Classification: Uncertain significance. Last evaluated: 2025-06-24. Review status: criteria provided, single submitter. Criteria: GeneDx Variant Classification Process June 2021. Collection method: clinical testing. Allele origin: germline. Affected: yes.
Comment: Not observed at significant frequency in large population cohorts (gnomAD); In silico analysis supports that this missense variant has a deleterious effect on protein structure/function; Has not been previously published as pathogenic or benign to our knowledge

NM_004415.4(DSP):c.5624A>T (p.Glu1875Val)

Gene: DSP (desmoplakin; plus strand). Cytogenetic location: 6p24.3.
Variant type: single nucleotide variant.
Coding change: c.5624A>T on transcript NM_004415.4 (MANE Select); coding-DNA position 5624, A replaced by T.
Protein change: p.Glu1875Val; replaces glutamic acid 1875 with valine.
Molecular consequence: missense variant.
Genome position (GRCh38, 1-based): chr6:7,582,886, A>T. VCF-style: chr6-7582886-A-T. GRCh37 (hg19) VCF-style: chr6-7583119-A-T.
Other names: c.3827A>T, p.Glu1276Val (NM_001008844.3); c.4295A>T, p.Glu1432Val (NM_001319034.2); short protein forms E1276V, E1432V, E1875V.
Identifiers: ClinVar variation 4540070 (VCV004540070.1).